The following is an entry in ClinVar:

NM_000093.5(COL5A1):c.4230+5_4230+6delinsTA

Gene: COL5A1 (collagen type V alpha 1 chain; plus strand). Cytogenetic location: 9q34.3.
Variant type: Indel.
Coding change: c.4230+5_4230+6delinsTA on transcript NM_000093.5 (MANE Select); bases 5 to 6 of the intron after coding-DNA position 4230, CG replaced by TA.
Molecular consequence: intron variant.
Genome position (GRCh38, 1-based): chr9:134,817,836-134,817,837, CG replaced by TA. VCF-style: chr9-134817836-CG-TA. GRCh37 (hg19) VCF-style: chr9-137709682-CG-TA.
Other names: c.4230+5_4230+6delinsTA (NM_001278074.1).
Identifiers: ClinVar variation 1738906 (VCV001738906.8), dbSNP rs2490845563, ClinGen allele CA2580080118.
Genomic context (GRCh38, chr9:134,817,836, plus strand): 5'-AGGGTCCCCCAGGCCCCGCAGGCCCCGAAGGCAGACAGGGAGAGAAAGGGGCCAAGGTAA[CG>TA]TGTTTTGGAGCCAGGCTGTGACCGCGTAGACCTCCCCCAGGGGAGCCCAGAGGGTGGGGA-3'

ClinVar aggregate classification (germline): Uncertain significance. Review status: criteria provided, multiple submitters, no conflicts (2 of 4 stars). 2 submissions from 2 submitters: Uncertain significance (2). Last evaluated 2026-08-28.

Conditions:
Ehlers-Danlos syndrome, classic type, 1 (EDSCL1). Also called: EHLERS-DANLOS SYNDROME, GRAVIS TYPE; EHLERS-DANLOS SYNDROME, SEVERE CLASSIC TYPE; Ehlers-Danlos Syndrome, Classic Type, COL5A1-Related; Ehlers-Danlos syndrome, type 1; EDS I. Identifiers: MedGen C0268335, MONDO:0019567, OMIM 130000.
Familial thoracic aortic aneurysm and aortic dissection (TAAD). Also called: Thoracic aortic aneurysms and dissections. Identifiers: Orphanet 91387, MedGen C4707243, MONDO:0019625.

Submissions (2):

Ambry Genetics
Classification: Uncertain significance for Familial thoracic aortic aneurysm and aortic dissection. Last evaluated: 2026-08-28. Review status: criteria provided, single submitter. Criteria: Ambry Variant Classification Scheme 2023. Collection method: clinical testing. Allele origin: germline.
Comment: The c.4230+5_4230+6delCGinsTA intronic variant, located in intron 54 of the COL5A1 gene, results from an in-frame from the deletion of two nucleotides and the insertion of two nucleotides at nucleotide position 4230. These nucleotide positions are not well conserved in available vertebrate species. In silico splice site analysis predicts that this alteration will not have any significant effect on splicing. Since supporting evidence is limited at this time, the clinical significance of this alteration remains unclear.

Labcorp Genetics (formerly Invitae), Labcorp
Classification: Uncertain significance for Ehlers-Danlos syndrome, classic type, 1. Last evaluated: 2026-02-02. Review status: criteria provided, single submitter. Criteria: Invitae Variant Classification Sherloc (09022015). Collection method: clinical testing. Allele origin: germline.
Comment: This sequence change falls in intron 54 of the COL5A1 gene. It does not directly change the encoded amino acid sequence of the COL5A1 protein. It affects a nucleotide within the consensus splice site. Information on the frequency of this variant in the gnomAD database is not available, as this variant may be reported differently in the database. This variant has not been reported in the literature in individuals affected with COL5A1-related conditions. ClinVar contains an entry for this variant (Variation ID: 1738906). Variants that disrupt the consensus splice site are a relatively common cause of aberrant splicing (PMID: 17576681, 9536098). Experimental studies and prediction algorithms are not available or were not evaluated, and the effect of this variant on mRNA splicing is currently unknown. In summary, the available evidence is currently insufficient to determine the role of this variant in disease. Therefore, it has been classified as a Variant of Uncertain Significance.

Literature cited by the submitters: PubMed 17576681 (cited by Labcorp Genetics (formerly Invitae), Labcorp); PubMed 9536098 (cited by Labcorp Genetics (formerly Invitae), Labcorp).